The following is an entry in ClinVar:

NM_152703.5(SAMD9L):c.1388G>A (p.Arg463Gln)

Gene: SAMD9L (sterile alpha motif domain containing 9 like; minus strand). Cytogenetic location: 7q21.2.
Variant type: single nucleotide variant.
Coding change: c.1388G>A on transcript NM_152703.5 (MANE Select); coding-DNA position 1388, G replaced by A.
Protein change: p.Arg463Gln; replaces arginine 463 with glutamine.
Molecular consequence: missense variant.
Genome position (GRCh38, 1-based): chr7:93,134,584, C>T on the plus strand (G>A on the coding strand, the complement: SAMD9L is on the minus strand). VCF-style: chr7-93134584-C-T. GRCh37 (hg19) VCF-style: chr7-92763897-C-T.
Other names: c.1388G>A, p.Arg463Gln (NM_001303496.3, NM_001303497.3, NM_001303498.3 and 5 more transcripts); c.1388G>A (NM_152703.2); short protein forms R463Q.
Identifiers: ClinVar variation 2061061 (VCV002061061.5), dbSNP rs750874405, ClinGen allele CA4343734.
Genomic context (GRCh38, chr7:93,134,584, plus strand): 5'-TTCTCCCACATGTTAGTTGTCTTGTCTTCATATTGATTTGGAAAGTGAAGGTTTGCCACC[C>T]GACTTTCTTTGTAAGCTTTGACCACTCCATTGATCATAGATTCAGGATCAAACTCCAACA-3'
Protein context (NP_689916.2, residues 453-473): NGVVKAYKES[Arg463Gln]VANLHFPNQY

ClinVar aggregate classification (germline): Uncertain significance. Review status: criteria provided, multiple submitters, no conflicts (2 of 4 stars). 2 submissions from 2 submitters: Uncertain significance (2). Last evaluated 2025-11-19.

Conditions:
Inborn genetic diseases. Identifiers: MedGen C0950123, MeSH D030342.

Allele frequency attached by ClinVar (database versions not stated): TOPMed below 0.00001; gnomAD 0.00001; ExAC 0.00002.

Submissions (2):

Labcorp Genetics (formerly Invitae), Labcorp
Classification: Uncertain significance. Last evaluated: 2025-11-19. Review status: criteria provided, single submitter. Criteria: Invitae Variant Classification Sherloc (09022015). Collection method: clinical testing. Allele origin: germline.
Comment: This sequence change replaces arginine, which is basic and polar, with glutamine, which is neutral and polar, at codon 463 of the SAMD9L protein (p.Arg463Gln). This variant is present in population databases (rs750874405, gnomAD 0.02%). This variant has not been reported in the literature in individuals affected with SAMD9L-related conditions. ClinVar contains an entry for this variant (Variation ID: 2061061). Invitae Evidence Modeling of protein sequence and biophysical properties (such as structural, functional, and spatial information, amino acid conservation, physicochemical variation, residue mobility, and thermodynamic stability) indicates that this missense variant is not expected to disrupt SAMD9L protein function with a negative predictive value of 80%. In summary, the available evidence is currently insufficient to determine the role of this variant in disease. Therefore, it has been classified as a Variant of Uncertain Significance.

Ambry Genetics
Classification: Uncertain significance for Inborn genetic diseases. Last evaluated: 2024-12-13. Review status: criteria provided, single submitter. Criteria: Ambry Variant Classification Scheme 2023. Collection method: clinical testing. Allele origin: germline.
Comment: The p.R463Q variant (also known as c.1388G>A), located in coding exon 1 of the SAMD9L gene, results from a G to A substitution at nucleotide position 1388. The arginine at codon 463 is replaced by glutamine, an amino acid with highly similar properties. This amino acid position is conserved. In addition, this alteration is predicted to be tolerated by in silico analysis. Based on the available evidence, the clinical significance of this variant remains unclear.